The following is an entry in ClinVar:

ClinVar aggregate classification (germline): Benign (0 of 4 stars; one submission).

Conditions:
MUC16-related disorder. Also called: MUC16-related condition.

Allele frequency attached by ClinVar (database versions not stated): gnomAD 0.00071; ExAC 0.00233; 1000 Genomes Project 30x 0.00344; 1000 Genomes Project 0.00399.

Submission:

PreventionGenetics, part of Exact Sciences
Classification: Benign for MUC16-related condition. Last evaluated: 2019-05-24. Review status: no assertion criteria provided. Collection method: clinical testing. Allele origin: germline.
Comment: This variant is classified as benign based on ACMG/AMP sequence variant interpretation guidelines (Richards et al. 2015 PMID: 25741868, with internal and published modifications).

NM_001401501.2(MUC16):c.38191A>C (p.Thr12731Pro)

Gene: MUC16 (mucin 16, cell surface associated; minus strand). Cytogenetic location: 19p13.2.
Variant type: single nucleotide variant.
Coding change: c.38191A>C on transcript NM_001401501.2 (MANE Select); coding-DNA position 38191, A replaced by C.
Protein change: p.Thr12731Pro; replaces threonine 12731 with proline.
Molecular consequence: missense variant.
Genome position (GRCh38, 1-based): chr19:8,906,314, T>G on the plus strand (A>C on the coding strand, the complement: MUC16 is on the minus strand). VCF-style: chr19-8906314-T-G. GRCh37 (hg19) VCF-style: chr19-9016990-T-G.
Other names: c.38617A>C, p.Thr12873Pro (NM_001414686.1); c.38071A>C, p.Thr12691Pro (NM_001414687.1); c.38005A>C, p.Thr12669Pro (NM_024690.2); short protein forms T12669P, T12691P, T12731P, T12873P.
Identifiers: ClinVar variation 3038866 (VCV003038866.2), dbSNP rs374983438, ClinGen allele CA9164817.